The following is an entry in ClinVar:

NM_001199107.2(TBC1D24):c.144C>G (p.His48Gln)

Gene: TBC1D24 (TBC1 domain family member 24; plus strand). Cytogenetic location: 16p13.3.
Variant type: single nucleotide variant.
Coding change: c.144C>G on transcript NM_001199107.2 (MANE Select); coding-DNA position 144, C replaced by G.
Protein change: p.His48Gln; replaces histidine 48 with glutamine.
Molecular consequence: missense variant.
Genome position (GRCh38, 1-based): chr16:2,496,292, C>G. VCF-style: chr16-2496292-C-G. GRCh37 (hg19) VCF-style: chr16-2546293-C-G.
Other names: c.144C>G, p.His48Gln (NM_020705.3); short protein forms H48Q.
Identifiers: ClinVar variation 858106 (VCV000858106.15), dbSNP rs765396824, ClinGen allele CA7843931.

ClinVar aggregate classification (germline): Uncertain significance. Review status: criteria provided, multiple submitters, no conflicts (2 of 4 stars). 3 submissions from 3 submitters: Uncertain significance (3). Last evaluated 2024-11-26.

Conditions:
Inborn genetic diseases. Identifiers: MedGen C0950123, MeSH D030342.
Developmental and epileptic encephalopathy, 1 (DEE1). Also called: INFANTILE SPASM SYNDROME, X-LINKED 1; X-linked infantile spasms; West's syndrome; Tonic spasms with clustering, arrest of psychomotor development and hypsarrhythmia on EEG; X-Linked Infantile Spasm Syndrome; OHTAHARA SYNDROME, X-LINKED. Identifiers: MedGen C3463992, MONDO:0010632, OMIM 308350. Disease mechanism: loss of function.
Autosomal dominant nonsyndromic hearing loss 65. Also called: TBC1D24-Related Autosomal Dominant Nonsyndromic Hearing Loss (DFNA); Deafness, autosomal dominant 65. Identifiers: Orphanet 90635, MedGen C3892048, MONDO:0014470, OMIM 616044.

Allele frequency attached by ClinVar (database versions not stated): TOPMed 0.00005.

Submissions (3):

Ambry Genetics
Classification: Uncertain significance for Inborn genetic diseases. Last evaluated: 2024-11-26. Review status: criteria provided, single submitter. Criteria: Ambry Variant Classification Scheme 2023. Collection method: clinical testing. Allele origin: germline.

Labcorp Genetics (formerly Invitae), Labcorp
Classification: Uncertain significance for Developmental and epileptic encephalopathy, 1; Autosomal dominant nonsyndromic hearing loss 65. Last evaluated: 2024-08-13. Review status: criteria provided, single submitter. Criteria: Invitae Variant Classification Sherloc (09022015). Collection method: clinical testing. Allele origin: germline.
Comment: This sequence change replaces histidine, which is basic and polar, with glutamine, which is neutral and polar, at codon 48 of the TBC1D24 protein (p.His48Gln). This variant is present in population databases (rs765396824, gnomAD 0.05%). This variant has not been reported in the literature in individuals affected with TBC1D24-related conditions. ClinVar contains an entry for this variant (Variation ID: 858106). Advanced modeling of protein sequence and biophysical properties (such as structural, functional, and spatial information, amino acid conservation, physicochemical variation, residue mobility, and thermodynamic stability) performed at Invitae indicates that this missense variant is not expected to disrupt TBC1D24 protein function with a negative predictive value of 80%. In summary, the available evidence is currently insufficient to determine the role of this variant in disease. Therefore, it has been classified as a Variant of Uncertain Significance.

Laboratory for Molecular Medicine, Mass General Brigham Personalized Medicine
Classification: Uncertain significance. Last evaluated: 2019-08-14. Review status: criteria provided, single submitter. Criteria: LMM Criteria. Collection method: clinical testing. Allele origin: germline. Observed: 1 variant allele.
Comment: The p.His48Gln variant in TBC1D24 has not been previously reported in individuals with hearing loss, DOORS syndrome or myoclonic epilepsy, but has been identified in 0.04% (8/17950) of East Asian chromosomes by gnomAD. Computational prediction tools and conservation analyses do not provide strong support for or against an impact to the protein. In summary, the clinical significance of this variant is uncertain. ACMG/AMP Criteria applied: PM2_Supporting.